The following is an entry in ClinVar:

NM_006371.5(CRTAP):c.221A>T (p.His74Leu)

Gene: CRTAP (cartilage associated protein; plus strand). Cytogenetic location: 3p22.3.
Variant type: single nucleotide variant.
Coding change: c.221A>T on transcript NM_006371.5 (MANE Select); coding-DNA position 221, A replaced by T.
Protein change: p.His74Leu; replaces histidine 74 with leucine.
Molecular consequence: missense variant.
Genome position (GRCh38, 1-based): chr3:33,114,298, A>T. VCF-style: chr3-33114298-A-T. GRCh37 (hg19) VCF-style: chr3-33155790-A-T.
Other names: short protein forms H74L.
Identifiers: ClinVar variation 1050225 (VCV001050225.1), dbSNP rs767924679, ClinGen allele CA2300226.

ClinVar aggregate classification (germline): Uncertain significance (0 of 4 stars; one submission).

Allele frequency attached by ClinVar (database versions not stated): gnomAD exomes below 0.00001 and 0.00001; ExAC 0.00003.
gnomAD v4.1: 2 of 1,563,898 alleles (0.00013%); highest among the groups gnomAD compares: South Asian, 0.0023%; no homozygotes.

Submission:

Department of Pathology and Laboratory Medicine, Sinai Health System
Classification: Uncertain significance. Review status: no assertion criteria provided. Collection method: clinical testing. Allele origin: unknown. Affected: yes. Study: The Canadian Open Genetics Repository (COGR).
Comment: The CRTAP p.His74Leu variant was not identified in the literature nor was it identified in ClinVar. The variant was identified in dbSNP (ID: rs767924679) and in control databases in 2 of 166500 chromosomes at a frequency of 0.00001201 (Genome Aggregation Database March 6, 2019, v2.1.1). The variant was observed in the South Asian population in 2 of 24394 chromosomes (freq: 0.000082), but was not observed in the African, Latino, Ashkenazi Jewish, East Asian, European (Finnish), European (non-Finnish), or Other populations. The p.His74 residue is conserved in mammals and computational analyses (PolyPhen-2, SIFT, AlignGVGD, BLOSUM, MutationTaster) provide inconsistent predictions regarding the impact to the protein; this information is not very predictive of pathogenicity. The variant occurs outside of the splicing consensus sequence and in silico or computational prediction software programs (SpliceSiteFinder, MaxEntScan, NNSPLICE, GeneSplicer) do not predict a difference in splicing. In summary, based on the above information the clinical significance of this variant cannot be determined with certainty at this time. This variant is classified as a variant of uncertain significance.